The following is an entry in ClinVar:

NM_024675.4(PALB2):c.1806ACT[3] (p.Leu604_Ser605insLeu)

Gene: PALB2 (partner and localizer of BRCA2; minus strand). Cytogenetic location: 16p12.2.
Variant type: Microsatellite.
Coding change: c.1806ACT[3] on transcript NM_024675.4 (MANE Select); three copies in a row of the 3-base unit ACT starting at c.1806; the reference has two copies in a row; one copy, 3 bases duplicated.
Protein change: p.Leu604_Ser605insLeu.
Molecular consequence: inframe insertion. On other transcripts: inframe indel (17).
Genome position (GRCh38, 1-based): chr16:23,630,343-23,630,345, AGT duplicated on the plus strand (ACT on the coding strand, the reverse complement: PALB2 is on the minus strand); duplicating any 3 consecutive bases within chr16:23,630,343-23,630,348 gives the same sequence; the position shown is the placement nearest the transcript's 3' end. VCF-style (leftmost placement, unchanged base first): chr16-23630342-C-CAGT. GRCh37 (hg19) VCF-style: chr16-23641663-C-CAGT.
Other names: c.1746_1748ACT[3], p.Leu584_Ser585insLeu (NM_001407296.1); c.1806_1808ACT[3], p.Leu604_Ser605insLeu (NM_001407297.1, NM_001407298.1, NM_001407299.1 and 3 more transcripts); c.921_923ACT[3], p.Leu309_Ser310insLeu (NM_001407304.1, NM_001407305.1, NM_001407306.1 and 5 more transcripts); c.18_20ACT[3], p.Leu8_Ser9insLeu (NM_001407312.1, NM_001407313.1).
Identifiers: ClinVar variation 2035723 (VCV002035723.4), dbSNP rs773733701, ClinGen allele CA2580612735.

ClinVar aggregate classification (germline): Uncertain significance (1 of 4 stars; one submission).

Conditions:
Familial cancer of breast. Also called: BREAST CANCER, FAMILIAL; Hereditary breast cancer; hereditary breast carcinoma. Identifiers: Orphanet 227535, MedGen C0346153, MONDO:0016419, OMIM 114480. Disease mechanism: loss of function.

Submission:

Labcorp Genetics (formerly Invitae), Labcorp
Classification: Uncertain significance for Familial cancer of breast. Last evaluated: 2022-10-15. Review status: criteria provided, single submitter. Criteria: Invitae Variant Classification Sherloc (09022015). Collection method: clinical testing. Allele origin: germline.
Comment: In summary, the available evidence is currently insufficient to determine the role of this variant in disease. Therefore, it has been classified as a Variant of Uncertain Significance. This variant has not been reported in the literature in individuals affected with PALB2-related conditions. This variant is not present in population databases (gnomAD no frequency). This variant, c.1809_1811dup, results in the insertion of 1 amino acid(s) of the PALB2 protein (p.Leu604dup), but otherwise preserves the integrity of the reading frame.